The following is an entry in ClinVar:

ClinVar aggregate classification (germline): Likely benign. Review status: criteria provided, multiple submitters, no conflicts (2 of 4 stars). 2 submissions from 2 submitters: Likely benign (2). Last evaluated 2025-12-01.

Submissions (2):

CeGaT Center for Human Genetics Tuebingen
Classification: Likely benign. Last evaluated: 2025-12-01. Review status: criteria provided, single submitter. Criteria: CeGaT Center For Human Genetics Tuebingen Variant Classification Criteria Version 2. Collection method: clinical testing. Allele origin: germline. Affected: yes. Observed: 1 variant allele.
Comment: COL11A2: PM2:Supporting, BP4, BP7

Labcorp Genetics (formerly Invitae), Labcorp
Classification: Likely benign. Last evaluated: 2023-02-04. Review status: criteria provided, single submitter. Criteria: Invitae Variant Classification Sherloc (09022015). Collection method: clinical testing. Allele origin: germline.

NM_080680.3(COL11A2):c.1605G>T (p.Gly535=)

Gene: COL11A2 (collagen type XI alpha 2 chain; minus strand). Cytogenetic location: 6p21.32.
Variant type: single nucleotide variant.
Coding change: c.1605G>T on transcript NM_080680.3 (MANE Select); coding-DNA position 1605, G replaced by T.
Protein change: p.Gly535=; no amino-acid change (glycine 535 retained).
Molecular consequence: synonymous variant.
Genome position (GRCh38, 1-based): chr6:33,179,079, C>A on the plus strand (G>T on the coding strand, the complement: COL11A2 is on the minus strand). VCF-style: chr6-33179079-C-A. GRCh37 (hg19) VCF-style: chr6-33146856-C-A.
Other names: c.1425G>T, p.Gly475= (NM_001424108.1); c.759G>T, p.Gly253= (NM_001424109.1); c.579G>T, p.Gly193= (NM_001424110.1, NM_001424111.1); c.1284G>T, p.Gly428= (NM_080679.3); c.1347G>T, p.Gly449= (NM_080681.3).
Identifiers: ClinVar variation 2897877 (VCV002897877.8), dbSNP rs2535236579, ClinGen allele CA449885814.